The following is an entry in ClinVar:

NM_007294.4(BRCA1):c.697del (p.Asp232_Val233insTer)

Gene: BRCA1 (BRCA1 DNA repair associated; minus strand). Cytogenetic location: 17q21.31.
Variant type: Deletion.
Coding change: c.697del on transcript NM_007294.4 (MANE Select); coding-DNA position 697, one base deleted (G; older notation c.697delG).
Protein change: p.Asp232_Val233insTer.
Molecular consequence: nonsense. On other transcripts: frameshift variant (351), non-coding transcript variant (1).
Genome position (GRCh38, 1-based): chr17:43,094,834, C deleted on the plus strand (G on the coding strand, the reverse complement: BRCA1 is on the minus strand). VCF-style (leftmost placement, unchanged base first): chr17-43094833-AC-A. GRCh37 (hg19) VCF-style: chr17-41246850-AC-A.
Other names: c.487delG, p.Val163Terfs (NM_001408481.1, NM_001408482.1, NM_001408483.1 and 25 more transcripts); c.484delG, p.Val162Terfs (NM_001408490.1, NM_001408491.1, NM_001408493.1 and 12 more transcripts); c.433delG, p.Val145Terfs (NM_001408496.1, NM_001408497.1, NM_001408498.1 and 15 more transcripts); c.364delG, p.Val122Terfs (NM_001408502.1, NM_001407946.1, NM_001407947.1 and 7 more transcripts); c.430delG, p.Val144Terfs (NM_001408503.1, NM_001408504.1, NM_001408505.1 and 5 more transcripts); c.361delG, p.Val121Terfs (NM_001408508.1, NM_001408509.1, NM_001407954.1 and 3 more transcripts); c.316delG, p.Val106Terfs (NM_001408510.1, NM_001407959.1, NM_001407960.1 and 1 more transcripts); c.193delG, p.Val65Terfs (NM_001408512.1, NM_001407965.1); and 16 more.
Identifiers: ClinVar variation 491186 (VCV000491186.12), dbSNP rs1555593298, ClinGen allele CA658684123.

ClinVar aggregate classification (germline): Pathogenic. Review status: criteria provided, multiple submitters, no conflicts (2 of 4 stars). 2 submissions from 2 submitters: Pathogenic (2). Last evaluated 2021-02-26.

Conditions:
Hereditary breast ovarian cancer syndrome. Also called: Breast and ovarian cancer; Hereditary breast and/or ovarian cancer syndrome; Hereditary breast and ovarian cancer; Hereditary breast and ovarian cancer syndrome (HBOC); BRCA1- and BRCA2-Associated Hereditary Breast and Ovarian Cancer; Hereditary breast and ovarian cancer syndrome. Identifiers: Orphanet 145, MedGen C0677776, MeSH D061325, MONDO:0003582. Disease mechanism: loss of function.
Hereditary cancer-predisposing syndrome. Also called: Hereditary Cancer Syndrome; Neoplastic Syndromes, Hereditary; Tumor predisposition; Hereditary neoplastic syndrome. Identifiers: Orphanet 140162, MedGen C0027672, MeSH D009386, MONDO:0015356.

Submissions (2):

Color Diagnostics, LLC DBA Color Health
Classification: Pathogenic for Hereditary cancer-predisposing syndrome. Last evaluated: 2021-02-26. Review status: criteria provided, single submitter. Criteria: ACMG Guidelines, 2015. Collection method: clinical testing. Allele origin: germline.
Comment: This variant deletes 1 nucleotide in exon 10 of the BRCA1 gene, creating a frameshift and premature translation stop signal. This variant is expected to result in an absent or non-functional protein product. To our knowledge, this variant has not been reported as a germline mutation in individuals affected with hereditary cancer in the literature. This variant has not been identified in the general population by the Genome Aggregation Database (gnomAD). Loss of BRCA1 function is a known mechanism of disease. Based on the available evidence, this variant is classified as Pathogenic.

Labcorp Genetics (formerly Invitae), Labcorp
Classification: Pathogenic for Hereditary breast ovarian cancer syndrome. Last evaluated: 2019-07-14. Review status: criteria provided, single submitter. Criteria: Invitae Variant Classification Sherloc (09022015). Collection method: clinical testing. Allele origin: germline.
Comment: This sequence change creates a premature translational stop signal (p.Val233*) in the BRCA1 gene. It is expected to result in an absent or disrupted protein product. This variant is not present in population databases (ExAC no frequency). This variant has not been reported in the literature in individuals with BRCA1-related conditions. ClinVar contains an entry for this variant (Variation ID: 491186). Loss-of-function variants in BRCA1 are known to be pathogenic (PMID: 20104584). For these reasons, this variant has been classified as Pathogenic.

Literature cited by the submitters: PubMed 20104584 (cited by Labcorp Genetics (formerly Invitae), Labcorp).